The following is an entry in ClinVar:

ClinVar aggregate classification (germline): Uncertain significance (1 of 4 stars; one submission).

Allele frequency attached by ClinVar (database versions not stated): TOPMed below 0.00001.

Submission:

Labcorp Genetics (formerly Invitae), Labcorp
Classification: Uncertain significance. Last evaluated: 2023-04-18. Review status: criteria provided, single submitter. Criteria: Invitae Variant Classification Sherloc (09022015). Collection method: clinical testing. Allele origin: germline.
Comment: This sequence change replaces isoleucine, which is neutral and non-polar, with threonine, which is neutral and polar, at codon 920 of the STAG2 protein (p.Ile920Thr). This variant is not present in population databases (gnomAD no frequency). This variant has not been reported in the literature in individuals affected with STAG2-related conditions. ClinVar contains an entry for this variant (Variation ID: 1505695). Advanced modeling of protein sequence and biophysical properties (such as structural, functional, and spatial information, amino acid conservation, physicochemical variation, residue mobility, and thermodynamic stability) performed at Invitae indicates that this missense variant is not expected to disrupt STAG2 protein function. In summary, the available evidence is currently insufficient to determine the role of this variant in disease. Therefore, it has been classified as a Variant of Uncertain Significance.

NM_001042750.2(STAG2):c.2759T>C (p.Ile920Thr)

Gene: STAG2 (STAG2 cohesin complex component; plus strand). Cytogenetic location: Xq25.
Variant type: single nucleotide variant.
Coding change: c.2759T>C on transcript NM_001042750.2 (MANE Select); coding-DNA position 2759, T replaced by C.
Protein change: p.Ile920Thr; replaces isoleucine 920 with threonine.
Molecular consequence: missense variant.
Genome position (GRCh38, 1-based): chrX:124,078,042, T>C. VCF-style: chrX-124078042-T-C. GRCh37 (hg19) VCF-style: chrX-123211892-T-C.
Other names: c.2759T>C, p.Ile920Thr (NM_001042749.2, NM_001042751.2, NM_001282418.2 and 13 more transcripts); short protein forms I920T.
Identifiers: ClinVar variation 1505695 (VCV001505695.8), dbSNP rs1432722806, ClinGen allele CA414279055.
Genomic context (GRCh38, chrX:124,078,042, plus strand): 5'-TCAAAGAAACAATGAGTAAAACAAGGCAGATAGACAAAATTCAGTGTGCTAAGACCCTTA[T>C]TCTCAGTCTGCAACAGGTAAGCATTAAGAGTACCAACTTTAGCTAACACAATTAACACCT-3'
Protein context (NP_001036215.1, residues 910-930): IDKIQCAKTL[Ile920Thr]LSLQQLFNEM